The following is an entry in ClinVar:

NM_014974.3(DIP2C):c.3748C>G (p.Leu1250Val)

Gene: DIP2C (DIP2 acetate--CoA ligase C (putative); minus strand). Cytogenetic location: 10p15.3.
Variant type: single nucleotide variant.
Coding change: c.3748C>G on transcript NM_014974.3 (MANE Select); coding-DNA position 3748, C replaced by G.
Protein change: p.Leu1250Val; replaces leucine 1250 with valine.
Molecular consequence: missense variant.
Genome position (GRCh38, 1-based): chr10:329,438, G>C on the plus strand (C>G on the coding strand, the complement: DIP2C is on the minus strand). VCF-style: chr10-329438-G-C. GRCh37 (hg19) VCF-style: chr10-375378-G-C.
Other names: short protein forms L1250V.
Identifiers: ClinVar variation 2993272 (VCV002993272.3), dbSNP rs756876821, ClinGen allele CA5379826.

ClinVar aggregate classification (germline): Uncertain significance (1 of 4 stars; one submission).

Allele frequency attached by ClinVar (database versions not stated): gnomAD 0.00002; TOPMed 0.00002; ExAC 0.00003; gnomAD exomes 0.00004.
gnomAD v4.1: 59 of 1,613,066 alleles (0.0037%); highest among the groups gnomAD compares: Non-Finnish European, 0.005%; no homozygotes.

Submission:

Labcorp Genetics (formerly Invitae), Labcorp
Classification: Uncertain significance. Last evaluated: 2023-02-16. Review status: criteria provided, single submitter. Criteria: Invitae Variant Classification Sherloc (09022015). Collection method: clinical testing. Allele origin: germline.
Comment: In summary, the available evidence is currently insufficient to determine the role of this variant in disease. Therefore, it has been classified as a Variant of Uncertain Significance. An algorithm developed to predict the effect of missense changes on protein structure and function (PolyPhen-2) suggests that this variant is likely to be disruptive. This variant has not been reported in the literature in individuals affected with DIP2C-related conditions. This variant is present in population databases (rs756876821, gnomAD 0.002%). This sequence change replaces leucine, which is neutral and non-polar, with valine, which is neutral and non-polar, at codon 1250 of the DIP2C protein (p.Leu1250Val).